The following is an entry in ClinVar:

NM_004004.6(GJB2):c.169C>T (p.Gln57Ter)

Gene: GJB2 (gap junction protein beta 2; minus strand). Cytogenetic location: 13q12.11.
Variant type: single nucleotide variant.
Coding change: c.169C>T on transcript NM_004004.6 (MANE Select); coding-DNA position 169, C replaced by T.
Protein change: p.Gln57Ter; replaces glutamine 57 with a stop codon.
Molecular consequence: nonsense.
Genome position (GRCh38, 1-based): chr13:20,189,413, G>A on the plus strand (C>T on the coding strand, the complement: GJB2 is on the minus strand). VCF-style: chr13-20189413-G-A. GRCh37 (hg19) VCF-style: chr13-20763552-G-A.
Other names: short protein forms Q57*.
Identifiers: ClinVar variation 44725 (VCV000044725.43), dbSNP rs111033297, ClinGen allele CA261637.
Genomic context (GRCh38, chr13:20,189,413, plus strand): 5'-ATAGCCGGATGTGGGAGATGGGGAAGTAGTGATCGTAGCACACGTTCTTGCAGCCTGGCT[G>A]CAGGGTGTTGCAGACAAAGTCGGCCTGCTCATCTCCCCACACCTCCTTTGCAGCCACAAC-3'

ClinVar aggregate classification (germline): Pathogenic. Review status: criteria provided, multiple submitters, no conflicts (2 of 4 stars). 16 submissions from 16 submitters: Pathogenic (14). 2 of the submissions do not count toward it. Last evaluated 2026-10-08.

Conditions:
Rare genetic deafness. Identifiers: Orphanet 96210, MedGen C5680250.
GJB2-related disorder. Also called: GJB2-related condition; GJB2-related disorders. Identifiers: MedGen CN382183, MONDO:1060236.
Hearing loss. Identifiers: MedGen C3887873.
Monogenic hearing loss.
Ichthyosis, hystrix-like, with hearing loss. Also called: Hystrix-like ichthyosis with deafness. Identifiers: Orphanet 477, MedGen C1865234, MONDO:0011245.
Palmoplantar keratoderma-deafness syndrome. Also called: Keratoderma palmoplantar, with deafness; Palmoplantar keratoderma and sensorineural deafness; Hereditary palmoplantar keratoderma with deafness (subtype); Focal palmoplantar keratoderma with sensorineural deafness (subtype); Diffuse palmoplantar keratoderma with deafness (subtype). Identifiers: Orphanet 2202, MedGen C1835672, MONDO:0007852, OMIM 148350.
Knuckle pads, deafness AND leukonychia syndrome. Also called: Bart-Pumphrey syndrome. Identifiers: Orphanet 2698, MedGen C0266004, MONDO:0007866, OMIM 149200.
Mutilating keratoderma (VOWNKL). Also called: Keratoderma hereditarium mutilans. Identifiers: Orphanet 494, MedGen C0265964, MONDO:0007422, OMIM 124500.
Autosomal recessive nonsyndromic hearing loss 1A (DFNB1A). Also called: Connexin 26 deafness; Deafness nonsyndromic, Connexin 26 linked; GJB6-Related DFNB 1 Nonsyndromic Hearing Loss and Deafness; Deafness, autosomal recessive 1A; Nonsyndromic Hearing Loss and Deafness, DFNB1; GJB2-Related Autosomal Recessive Nonsyndromic Hearing Loss. Identifiers: Orphanet 90636, MedGen C2673759, MONDO:0009076, OMIM 220290.
Autosomal dominant keratitis-ichthyosis-hearing loss syndrome. Also called: Senter syndrome; KID SYNDROME, AUTOSOMAL DOMINANT; HID SYNDROME. Identifiers: Orphanet 477, MedGen C0265336, MONDO:0007850, OMIM 148210.
Autosomal dominant nonsyndromic hearing loss 3A. Identifiers: Orphanet 90635, MedGen C2675750, MONDO:0011103, OMIM 601544.

Allele frequency attached by ClinVar (database versions not stated): gnomAD exomes 0.00003 and 0.00010; ExAC 0.00004; TOPMed 0.00004; gnomAD 0.00003; ESP Exome Variant Server 0.00008.

Submissions 1 to 11 of 16:

GeneDx
Classification: Pathogenic. Last evaluated: 2026-10-08. Review status: criteria provided, single submitter. Criteria: GeneDx Variant Classification Process June 2021. Collection method: clinical testing. Allele origin: germline.
Comment: Nonsense variant predicted to result in protein truncation, as the last 170 amino acid(s) are lost, and other loss-of-function variants have been reported downstream in HGMD; This variant is associated with the following publications: (PMID: 26940866, 15547423, 18196482, 21298644, 25270357, 9482292, 25087612, 10353784, 21465647, 15150777, 16380907, 11439000, 15070423, 18324688, 20553101, 15365987, 17041943, 29106882, 29625052, 26689913, 31980526, 31589614, 36048236, 36451132, 15967879, 38486023)

Genetics Laboratory, Great Ormond Street Hospital NHS Foundation Trust, North Thames Genomic Laboratory Hub
Classification: Pathogenic for Monogenic hearing loss. Last evaluated: 2026-09-20. Review status: criteria provided, single submitter. Criteria: ACGS Best Practice Guidelines for Variant Classification in Rare Disease 2024 v1.2. Collection method: clinical testing. Allele origin: germline. Affected: yes.
Comment: PVS1_strong, PM3_very-strong

PreventionGenetics, part of Exact Sciences
Classification: Pathogenic for GJB2-related condition. Last evaluated: 2026-09-03. Review status: criteria provided, single submitter. Criteria: ACMG Guidelines, 2015. Collection method: clinical testing. Allele origin: germline.
Comment: The GJB2 c.169C>T variant is predicted to result in premature protein termination (p.Gln57*). This variant has been widely reported in individuals with autosomal recessive deafness (see for example, Wilcox et al. 1999. PubMed ID: 10353784; Dodson et al. 2011. PubMed ID: 21465647; Snoeckx et al. 2005. PubMed ID: 16380907; Marlin et al. 2005. PubMed ID: 15967879). This variant is reported in 0.0070% of alleles in individuals of European (Non-Finnish) descent in gnomAD. Nonsense variants in GJB2 are expected to be pathogenic. This variant is interpreted as pathogenic.

Labcorp Genetics (formerly Invitae), Labcorp
Classification: Pathogenic. Last evaluated: 2026-01-12. Review status: criteria provided, single submitter. Criteria: Invitae Variant Classification Sherloc (09022015). Collection method: clinical testing. Allele origin: germline.
Comment: This sequence change creates a premature translational stop signal (p.Gln57*) in the GJB2 gene. While this is not anticipated to result in nonsense mediated decay, it is expected to disrupt the last 170 amino acid(s) of the GJB2 protein. This variant is present in population databases (rs111033297, gnomAD 0.009%). This premature translational stop signal has been observed in individual(s) with clinical features of GJB2-related deafness (PMID: 10353784, 21465647). ClinVar contains an entry for this variant (Variation ID: 44725). This variant disrupts a region of the GJB2 protein in which other variant(s) (p.Tyr65*) have been determined to be pathogenic (PMID: 9482292, 16380907). This suggests that this is a clinically significant region of the protein, and that variants that disrupt it are likely to be disease-causing. For these reasons, this variant has been classified as Pathogenic.

Natera, Inc.
Classification: Pathogenic for Autosomal recessive deafness type 1A. Last evaluated: 2025-12-29. Review status: criteria provided, single submitter. Criteria: Natera Variant Classification Schema (03/2026). Collection method: clinical testing. Allele origin: germline.
Comment: The c.169C>T variant in GJB2 is a nonsense variant predicted to introduce a stop codon at amino acid 57. This variant is expected to result in nonsense mediated decay, truncation, or a dysfunctional protein product. This variant is rare in the general population with a frequency below the threshold expected for the associated phenotype(s). This variant has been observed in one or more individuals affected with the associated recessive disease, as either homozygous or compound heterozygous with a second variant (PMID: 15150777). Given the available evidence, this variant is classified as Pathogenic.

North West Genomic Laboratory Hub, Manchester University NHS Foundation Trust
Classification: Pathogenic for Monogenic hearing loss. Last evaluated: 2025-02-14. Review status: criteria provided, single submitter. Criteria: ACGS Best Practice Guidelines for Variant Classification in Rare Disease 2024. Collection method: clinical testing. Allele origin: germline. Affected: yes.
Comment: PM3_VStr PM2_Supp PVS1_Str

Blueprint Genetics
Classification: Pathogenic for GJB2-related disorders. Last evaluated: 2024-11-04. Review status: criteria provided, single submitter. Criteria: ACMG Guidelines, 2015. Collection method: clinical testing. Allele origin: germline. Affected: yes. Observed: 5 variant alleles.

Fulgent Genetics
Classification: Pathogenic for Mutilating keratoderma; Autosomal dominant keratitis-ichthyosis-hearing loss syndrome; Palmoplantar keratoderma-deafness syndrome; Knuckle pads, deafness AND leukonychia syndrome; Autosomal recessive nonsyndromic hearing loss 1A; Autosomal dominant nonsyndromic hearing loss 3A. Last evaluated: 2024-04-25. Review status: criteria provided, single submitter. Criteria: ACMG Guidelines, 2015. Collection method: clinical testing. Allele origin: germline.

Integrating Genomics into Medicine, Frazer Institute, University Of Queensland
Classification: Pathogenic for Autosomal recessive nonsyndromic hearing loss 1A. Last evaluated: 2023-06-02. Review status: criteria provided, single submitter. Criteria: ACMG Guidelines, 2015. Collection method: clinical testing. Allele origin: germline. Affected: yes.

Athena Diagnostics
Classification: Pathogenic. Last evaluated: 2022-05-11. Review status: criteria provided, single submitter. Criteria: Athena Diagnostics Criteria. Collection method: clinical testing. Allele origin: unknown.
Comment: This variant is expected to result in the loss of a functional protein. The frequency of this variant in the general population is consistent with pathogenicity (Genome Aggregation Database (gnomAD), Cambridge, MA (URL)). In multiple individuals affected with hearing loss, this variant has been seen with a single recessive pathogenic variant in the same gene.

Women's Health and Genetics/Laboratory Corporation of America, LabCorp
Classification: Pathogenic for Autosomal recessive nonsyndromic hearing loss 1A. Last evaluated: 2021-10-19. Review status: criteria provided, single submitter. Criteria: LabCorp Variant Classification Summary - May 2015. Collection method: clinical testing. Allele origin: germline.
Comment: Variant summary: GJB2 c.169C>T (p.Gln57X) results in a premature termination codon, predicted to cause a truncation of the encoded protein or absence of the protein due to nonsense mediated decay, which are commonly known mechanisms for disease. Truncations downstream of this position have been classified as pathogenic by our laboratory. The variant allele was found at a frequency of 2.8e-05 in 251022 control chromosomes. c.169C>T has been reported in the literature in multiple individuals affected with Autosomal Recessive Non-Syndromic Hearing Loss (e.g. Wilcox_1999, Roux_2004, Snoeckx_2005, Marlin_2005). These data indicate that the variant is very likely to be associated with disease. Seven clinical diagnostic laboratories have submitted clinical-significance assessments for this variant to ClinVar after 2014 without evidence for independent evaluation. All laboratories classified the variant as pathogenic. Based on the evidence outlined above, the variant was classified as pathogenic.